The following is an entry in ClinVar:

ClinVar aggregate classification (germline): Benign (0 of 4 stars; one submission).

Conditions:
DCDC5-related condition.

gnomAD v4.1: 8,549 of 1,605,604 alleles (0.53%); highest among the groups gnomAD compares: Non-Finnish European, 0.57%; 36 homozygotes.

Submission:

PreventionGenetics, part of Exact Sciences
Classification: Benign for DCDC5-related condition. Last evaluated: 2019-12-02. Review status: no assertion criteria provided. Collection method: clinical testing. Allele origin: germline.
Comment: This variant is classified as benign based on ACMG/AMP sequence variant interpretation guidelines (Richards et al. 2015 PMID: 25741868, with internal and published modifications).

NM_001387274.1(DCDC1):c.3718G>A (p.Glu1240Lys)

Gene: DCDC1 (doublecortin domain containing 1; minus strand). Cytogenetic location: 11p14.1.
Variant type: single nucleotide variant.
Coding change: c.3718G>A on transcript NM_001387274.1 (MANE Select); coding-DNA position 3718, G replaced by A.
Protein change: p.Glu1240Lys; replaces glutamic acid 1240 with lysine.
Molecular consequence: missense variant.
Genome position (GRCh38, 1-based): chr11:30,911,356, C>T on the plus strand (G>A on the coding strand, the complement: DCDC1 is on the minus strand). VCF-style: chr11-30911356-C-T. GRCh37 (hg19) VCF-style: chr11-30932903-C-T.
Other names: c.3718G>A, p.Glu1240Lys (NM_001367979.1); c.472G>A, p.Glu158Lys (NM_001387275.1); c.1039G>A, p.Glu347Lys (NM_020869.4); short protein forms E1240K, E158K, E347K.
Identifiers: ClinVar variation 3351142 (VCV003351142.1).
Genomic context (GRCh38, chr11:30,911,356, plus strand): 5'-CATGACTAATCTTTAGCCATACATATCTTACCTGAACAATAACTGGATAGCCACAAACTT[C>T]ATTTCTAGTCTTGGTCATAGACACTGCCAGCACAAGGTCAGGGTTACTCACAAGGTGAAA-3'
Protein context (NP_001374203.1, residues 1230-1250): LAVSMTKTRN[Glu1240Lys]VCGYPVIVQK